The following is an entry in ClinVar:

ClinVar aggregate classification (germline): Uncertain significance (1 of 4 stars; one submission).

Conditions:
DICER1-related tumor predisposition. Also called: DICER1 syndrome; DICER1-related pleuropulmonary blastoma cancer predisposition syndrome. Identifiers: Orphanet 284343, MedGen C3839822, MONDO:0100216.

Submission:

Labcorp Genetics (formerly Invitae), Labcorp
Classification: Uncertain significance for DICER1-related tumor predisposition. Last evaluated: 2022-10-19. Review status: criteria provided, single submitter. Criteria: Invitae Variant Classification Sherloc (09022015). Collection method: clinical testing. Allele origin: germline.
Comment: This sequence change affects codon 1868 of the DICER1 mRNA. It is a 'silent' change, meaning that it does not change the encoded amino acid sequence of the DICER1 protein. It affects a nucleotide within the consensus splice site. This variant is not present in population databases (gnomAD no frequency). In summary, the available evidence is currently insufficient to determine the role of this variant in disease. Therefore, it has been classified as a Variant of Uncertain Significance. Algorithms developed to predict the effect of sequence changes on RNA splicing suggest that this variant is not likely to affect RNA splicing. ClinVar contains an entry for this variant (Variation ID: 853615). This variant has not been reported in the literature in individuals affected with DICER1-related conditions.

NM_177438.3(DICER1):c.5604C>T (p.Ser1868=)

Gene: DICER1 (dicer 1, ribonuclease III; minus strand). Cytogenetic location: 14q32.13.
Variant type: single nucleotide variant.
Coding change: c.5604C>T on transcript NM_177438.3 (MANE Select); coding-DNA position 5604, C replaced by T.
Protein change: p.Ser1868=; no amino-acid change (serine 1868 retained).
Molecular consequence: synonymous variant. On other transcripts: missense variant (1).
Genome position (GRCh38, 1-based): chr14:95,090,663, G>A on the plus strand (C>T on the coding strand, the complement: DICER1 is on the minus strand). VCF-style: chr14-95090663-G-A. GRCh37 (hg19) VCF-style: chr14-95557000-G-A.
Other names: c.5441C>T, p.Ala1814Val (NM_001195573.1); c.5604C>T, p.Ser1868= (NM_001271282.3, NM_001291628.2, NM_030621.4); short protein forms A1814V.
Identifiers: ClinVar variation 853615 (VCV000853615.7), dbSNP rs1889714542, ClinGen allele CA390863852.
Genomic context (GRCh38, chr14:95,090,663, plus strand): 5'-CCCCTTTCCTACTACTTCCACAGTGACTCTGACCTTCCCGTCGTAAGTTCTCTCAGCCGG[G>A]CTGTAAAAAATCCAAACAGCTTGAATTAGAAGTCAGAAGTATTTATTATCATTGTCAATC-3'
Protein context (NP_803187.1, residues 1858-1878): LEMEPETAKF[Ser1868=]PAERTYDGKV